The following is an entry in ClinVar:

NM_000038.6(APC):c.4535A>G (p.Asp1512Gly)

Gene: APC (APC regulator of Wnt signaling pathway; plus strand). Cytogenetic location: 5q22.2.
Variant type: single nucleotide variant.
Coding change: c.4535A>G on transcript NM_000038.6 (MANE Select); coding-DNA position 4535, A replaced by G.
Protein change: p.Asp1512Gly; replaces aspartic acid 1512 with glycine.
Molecular consequence: missense variant.
Genome position (GRCh38, 1-based): chr5:112,840,129, A>G. VCF-style: chr5-112840129-A-G. GRCh37 (hg19) VCF-style: chr5-112175826-A-G.
Other names: c.4535A>G, p.Asp1512Gly (NM_001127510.3, NM_001354895.2); c.4565A>G, p.Asp1522Gly (NM_001354897.2); c.4460A>G, p.Asp1487Gly (NM_001354898.2); c.4451A>G, p.Asp1484Gly (NM_001354899.2); c.4412A>G, p.Asp1471Gly (NM_001354900.2); c.4055A>G, p.Asp1352Gly (NM_001354905.2); c.4358A>G, p.Asp1453Gly (NM_001354901.2); c.4262A>G, p.Asp1421Gly (NM_001354902.2); and 5 more; short protein forms D1386G, D1411G, D1484G, D1512G, D1453G, D1487G, D1530G, D1471G.
Identifiers: ClinVar variation 964501 (VCV000964501.11), dbSNP rs1765704748, ClinGen allele CA16031252.

ClinVar aggregate classification (germline): Uncertain significance (1 of 4 stars; one submission).

Conditions:
Familial adenomatous polyposis 1 (FAP1). Also called: FAMILIAL ADENOMATOUS POLYPOSIS 1, ATTENUATED; POLYPOSIS, ADENOMATOUS INTESTINAL. Identifiers: MedGen C2713442, MONDO:0021056, OMIM 175100. Disease mechanism: loss of function.

Submission:

Labcorp Genetics (formerly Invitae), Labcorp
Classification: Uncertain significance for Familial adenomatous polyposis 1. Last evaluated: 2025-05-30. Review status: criteria provided, single submitter. Criteria: Invitae Variant Classification Sherloc (09022015). Collection method: clinical testing. Allele origin: germline.
Comment: This sequence change replaces aspartic acid, which is acidic and polar, with glycine, which is neutral and non-polar, at codon 1512 of the APC protein (p.Asp1512Gly). This variant is not present in population databases (gnomAD no frequency). This variant has not been reported in the literature in individuals affected with APC-related conditions. ClinVar contains an entry for this variant (Variation ID: 964501). Invitae Evidence Modeling of protein sequence and biophysical properties (such as structural, functional, and spatial information, amino acid conservation, physicochemical variation, residue mobility, and thermodynamic stability) indicates that this missense variant is not expected to disrupt APC protein function with a negative predictive value of 95%. In summary, the available evidence is currently insufficient to determine the role of this variant in disease. Therefore, it has been classified as a Variant of Uncertain Significance.